The following is an entry in ClinVar:

ClinVar aggregate classification (germline): Uncertain significance (1 of 4 stars; one submission).

gnomAD v4.1: 3 of 1,613,822 alleles (0.00019%); highest among the groups gnomAD compares: Non-Finnish European, 0.00017%; no homozygotes.

Submission:

Ambry Genetics
Classification: Uncertain significance. Last evaluated: 2025-09-07. Review status: criteria provided, single submitter. Criteria: Ambry Variant Classification Scheme 2023. Collection method: clinical testing. Allele origin: germline.
Comment: The p.A120T variant (also known as c.358G>A), located in coding exon 3 of the CTNNA3 gene, results from a G to A substitution at nucleotide position 358. The alanine at codon 120 is replaced by threonine, an amino acid with similar properties. This amino acid position is conserved. In addition, this alteration is predicted to be tolerated by in silico analysis. Based on the available evidence, the clinical significance of this variant remains unclear.

NM_013266.4(CTNNA3):c.358G>A (p.Ala120Thr)

Gene: CTNNA3 (catenin alpha 3; minus strand). Cytogenetic location: 10q21.3.
Variant type: single nucleotide variant.
Coding change: c.358G>A on transcript NM_013266.4 (MANE Select); coding-DNA position 358, G replaced by A.
Protein change: p.Ala120Thr; replaces alanine 120 with threonine.
Molecular consequence: missense variant.
Genome position (GRCh38, 1-based): chr10:67,539,604, C>T on the plus strand (G>A on the coding strand, the complement: CTNNA3 is on the minus strand). VCF-style: chr10-67539604-C-T. GRCh37 (hg19) VCF-style: chr10-69299362-C-T.
Other names: c.358G>A, p.Ala120Thr (NM_001127384.3); c.394G>A, p.Ala132Thr (NM_001291133.2); short protein forms A132T, A120T.
Identifiers: ClinVar variation 4235685 (VCV004235685.1).